The following is an entry in ClinVar:

ClinVar aggregate classification (germline): Likely benign. Review status: criteria provided, multiple submitters, no conflicts (2 of 4 stars). 7 submissions from 7 submitters: Likely benign (4). 3 of the submissions do not count toward it. Last evaluated 2026-01-23.

Conditions:
RIN2-related disorder. Also called: RIN2-related condition.

Allele frequency attached by ClinVar (database versions not stated): gnomAD exomes 0.00156 and 0.00131; ExAC 0.00163; 1000 Genomes Project 0.00040; 1000 Genomes Project 30x 0.00047; gnomAD 0.00068 and 0.00077; TOPMed 0.00075; ESP Exome Variant Server 0.00082.
gnomAD v4.1: 2,378 of 1,611,814 alleles (0.15%); highest among the groups gnomAD compares: South Asian, 0.5%; 11 homozygotes.

Submissions (7):

Labcorp Genetics (formerly Invitae), Labcorp
Classification: Likely benign. Last evaluated: 2026-01-23. Review status: criteria provided, single submitter. Criteria: Invitae Variant Classification Sherloc (09022015). Collection method: clinical testing. Allele origin: germline.

CeGaT Center for Human Genetics Tuebingen
Classification: Likely benign. Last evaluated: 2023-07-01. Review status: criteria provided, single submitter. Criteria: CeGaT Center For Human Genetics Tuebingen Variant Classification Criteria Version 2. Collection method: clinical testing. Allele origin: germline. Affected: yes. Observed: 4 variant alleles.
Comment: RIN2: BP4

GeneDx
Classification: Likely benign. Last evaluated: 2020-07-30. Review status: criteria provided, single submitter. Criteria: GeneDx Variant Classification Process June 2021. Collection method: clinical testing. Allele origin: germline. Affected: yes.

Genetic Services Laboratory, University of Chicago
Classification: Likely benign. Last evaluated: 2018-02-26. Review status: criteria provided, single submitter. Criteria: ACMG Guidelines, 2015. Collection method: clinical testing. Allele origin: germline. Affected: no.

PreventionGenetics, part of Exact Sciences
Classification: Likely benign for RIN2-related condition. Last evaluated: 2020-07-20. Review status: no assertion criteria provided. Collection method: clinical testing. Allele origin: germline. Not counted in ClinVar's aggregate classification.
Comment: This variant is classified as likely benign based on ACMG/AMP sequence variant interpretation guidelines (Richards et al. 2015 PMID: 25741868, with internal and published modifications).

Clinical Genetics DNA and cytogenetics Diagnostics Lab, Erasmus MC, Erasmus Medical Center
Classification: Likely benign. Review status: no assertion criteria provided. Collection method: clinical testing. Allele origin: germline. Affected: yes. Study: VKGL Data-share Consensus. Not counted in ClinVar's aggregate classification.

Genome Diagnostics Laboratory, Amsterdam University Medical Center
Classification: Likely benign. Review status: no assertion criteria provided. Collection method: clinical testing. Allele origin: germline. Affected: yes. Study: VKGL Data-share Consensus. Not counted in ClinVar's aggregate classification.

NM_018993.4(RIN2):c.1966G>A (p.Val656Ile)

Gene: RIN2 (Ras and Rab interactor 2; plus strand). Cytogenetic location: 20p11.23.
Variant type: single nucleotide variant.
Coding change: c.1966G>A on transcript NM_018993.4 (MANE Select); coding-DNA position 1966, G replaced by A.
Protein change: p.Val656Ile; replaces valine 656 with isoleucine.
Molecular consequence: missense variant.
Genome position (GRCh38, 1-based): chr20:19,990,209, G>A. VCF-style: chr20-19990209-G-A. GRCh37 (hg19) VCF-style: chr20-19970853-G-A.
Other names: c.2113G>A, p.Val705Ile (NM_001242581.2); c.1348G>A, p.Val450Ile (NM_001378238.1); short protein forms V656I, V705I, V450I.
Identifiers: ClinVar variation 425266 (VCV000425266.56), dbSNP rs201964534, ClinGen allele CA9780179.